The following is an entry in ClinVar:

ClinVar aggregate classification (germline): Uncertain significance (1 of 4 stars; one submission).

gnomAD v4.1: 1 of 1,614,106 alleles (0.000062%); highest among the groups gnomAD compares: Non-Finnish European, 0.000085%; no homozygotes.

Submission:

GeneDx
Classification: Uncertain significance. Last evaluated: 2024-03-29. Review status: criteria provided, single submitter. Criteria: GeneDx Variant Classification Process June 2021. Collection method: clinical testing. Allele origin: germline. Affected: yes.
Comment: Has not been previously published as pathogenic or benign to our knowledge; Not observed at significant frequency in large population cohorts (gnomAD); In silico analysis supports that this missense variant does not alter protein structure/function

NM_020774.4(MIB1):c.381T>G (p.Ile127Met)

Gene: MIB1 (MIB E3 ubiquitin protein ligase 1; plus strand). Cytogenetic location: 18q11.2.
Variant type: single nucleotide variant.
Coding change: c.381T>G on transcript NM_020774.4 (MANE Select); coding-DNA position 381, T replaced by G.
Protein change: p.Ile127Met; replaces isoleucine 127 with methionine.
Molecular consequence: missense variant.
Genome position (GRCh38, 1-based): chr18:21,765,923, T>G. VCF-style: chr18-21765923-T-G. GRCh37 (hg19) VCF-style: chr18-19345884-T-G.
Other names: short protein forms I127M.
Identifiers: ClinVar variation 3371660 (VCV003371660.1).